The following is an entry in ClinVar:

ClinVar aggregate classification (germline): Likely benign. Review status: criteria provided, multiple submitters, no conflicts (2 of 4 stars). 2 submissions from 2 submitters: Likely benign (2). Last evaluated 2026-02-24.

Conditions:
NEFH-related disorder. Also called: NEFH-related condition.

Allele frequency attached by ClinVar (database versions not stated): ExAC 0.00002; gnomAD exomes 0.00002; ESP Exome Variant Server 0.00015; 1000 Genomes Project 30x 0.00016; 1000 Genomes Project 0.00020; gnomAD 0.00008; TOPMed 0.00009.

Submissions (2):

PreventionGenetics, part of Exact Sciences
Classification: Likely benign for NEFH-related condition. Last evaluated: 2026-02-24. Review status: criteria provided, single submitter. Criteria: ACMG Guidelines, 2015. Collection method: clinical testing. Allele origin: germline.
Comment: This variant is classified as likely benign based on ACMG/AMP sequence variant interpretation guidelines (Richards et al. 2015 PMID: 25741868, with internal and published modifications).

Labcorp Genetics (formerly Invitae), Labcorp
Classification: Likely benign. Last evaluated: 2022-01-21. Review status: criteria provided, single submitter. Criteria: Invitae Variant Classification Sherloc (09022015). Collection method: clinical testing. Allele origin: germline.

NM_021076.4(NEFH):c.927C>T (p.Asp309=)

Gene: NEFH (neurofilament heavy chain; plus strand). Cytogenetic location: 22q12.2.
Variant type: single nucleotide variant.
Coding change: c.927C>T on transcript NM_021076.4 (MANE Select); coding-DNA position 927, C replaced by T.
Protein change: p.Asp309=; no amino-acid change (aspartic acid 309 retained).
Molecular consequence: synonymous variant.
Genome position (GRCh38, 1-based): chr22:29,483,418, C>T. VCF-style: chr22-29483418-C-T. GRCh37 (hg19) VCF-style: chr22-29879407-C-T.
Other names: c.927C>T (NM_021076.3).
Identifiers: ClinVar variation 2061263 (VCV002061263.5), dbSNP rs369580301, ClinGen allele CA10174066.